The following is an entry in ClinVar:

NM_001379081.2(FREM1):c.3148G>A (p.Ala1050Thr)

Gene: FREM1 (FRAS1 related extracellular matrix 1; minus strand). Cytogenetic location: 9p22.3.
Variant type: single nucleotide variant.
Coding change: c.3148G>A on transcript NM_001379081.2 (MANE Select); coding-DNA position 3148, G replaced by A.
Protein change: p.Ala1050Thr; replaces alanine 1050 with threonine.
Molecular consequence: missense variant. On other transcripts: non-coding transcript variant (2).
Genome position (GRCh38, 1-based): chr9:14,806,787, C>T on the plus strand (G>A on the coding strand, the complement: FREM1 is on the minus strand). VCF-style: chr9-14806787-C-T. GRCh37 (hg19) VCF-style: chr9-14806785-C-T.
Other names: c.3148G>A, p.Ala1050Thr (NM_144966.7); short protein forms A1050T.
Identifiers: ClinVar variation 637035 (VCV000637035.3), dbSNP rs556974765, ClinGen allele CA4990669.

ClinVar aggregate classification (germline): Uncertain significance. Review status: criteria provided, multiple submitters, no conflicts (2 of 4 stars). 2 submissions from 2 submitters: Uncertain significance (2). Last evaluated 2024-05-11.

Conditions:
Trigonocephaly 2 (TRIGNO2). Identifiers: Orphanet 3366, MedGen C3280974, MONDO:0013774, OMIM 614485.
Oculotrichoanal syndrome (MOTA). Also called: MARLES SYNDROME; Manitoba Oculotrichoanal (MOTA) Syndrome. Identifiers: Orphanet 2717, MedGen C1855425, MONDO:0009560, OMIM 248450.
BNAR syndrome. Also called: Bifid Nose With or Without Anorectal and Renal Anomalies (BNAR) Syndrome. Identifiers: Orphanet 217266, MedGen C2750433, MONDO:0012165, OMIM 608980.

Allele frequency attached by ClinVar (database versions not stated): TOPMed 0.00001; gnomAD exomes 0.00002; gnomAD 0.00001; ExAC 0.00005.
gnomAD v4.1: 33 of 1,606,916 alleles (0.0021%); highest among the groups gnomAD compares: East Asian, 0.038%; 1 homozygote.

Submissions (2):

Fulgent Genetics
Classification: Uncertain significance for Oculotrichoanal syndrome; BNAR syndrome; Trigonocephaly 2. Last evaluated: 2024-05-11. Review status: criteria provided, single submitter. Criteria: ACMG Guidelines, 2015. Collection method: clinical testing. Allele origin: germline.

Laboratory of Medical Genetics, National & Kapodistrian University of Athens
Classification: Uncertain significance for Trigonocephaly 2. Last evaluated: 2018-05-04. Review status: criteria provided, single submitter. Criteria: ACMG Guidelines, 2015. Collection method: clinical testing. Allele origin: de novo. Affected: yes.
Comment: PM2,PP3